The following is an entry in ClinVar:

NM_000312.4(PROC):c.206C>T (p.Ala69Val)

Gene: PROC (protein C, inactivator of coagulation factors Va and VIIIa; plus strand). Cytogenetic location: 2q14.3.
Variant type: single nucleotide variant.
Coding change: c.206C>T on transcript NM_000312.4 (MANE Select); coding-DNA position 206, C replaced by T.
Protein change: p.Ala69Val; replaces alanine 69 with valine.
Molecular consequence: missense variant.
Genome position (GRCh38, 1-based): chr2:127,421,418, C>T. VCF-style: chr2-127421418-C-T. GRCh37 (hg19) VCF-style: chr2-128178994-C-T.
Other names: c.389C>T, p.Ala130Val (NM_001375602.1); c.269C>T, p.Ala90Val (NM_001375603.1, NM_001375604.1, NM_001375606.1); c.206C>T, p.Ala69Val (NM_001375605.1, NM_001375608.1, NM_001375611.1 and 1 more transcripts); c.290C>T, p.Ala97Val (NM_001375607.1); c.182C>T, p.Ala61Val (NM_001375609.1); c.200C>T, p.Ala67Val (NM_001375610.1); short protein forms A67V, A130V, A90V, A61V, A69V, A97V.
Identifiers: ClinVar variation 964144 (VCV000964144.9), dbSNP rs984698204, ClinGen allele CA55343052.

ClinVar aggregate classification (germline): Uncertain significance (1 of 4 stars; one submission).

Conditions:
Thrombophilia due to protein C deficiency, autosomal dominant. Also called: PROC DEFICIENCY, AUTOSOMAL DOMINANT; PROTEIN C DEFICIENCY, AUTOSOMAL DOMINANT. Identifiers: Orphanet 745, MedGen C2674321, MONDO:0008316, OMIM 176860. Disease mechanism: loss of function.

Allele frequency attached by ClinVar (database versions not stated): gnomAD exomes below 0.00001 and 0.00001; TOPMed 0.00002.
gnomAD v4.1: 3 of 1,613,898 alleles (0.00019%); highest among the groups gnomAD compares: Admixed American, 0.005%; no homozygotes.

Submission:

Labcorp Genetics (formerly Invitae), Labcorp
Classification: Uncertain significance for Thrombophilia due to protein C deficiency, autosomal dominant. Last evaluated: 2019-09-16. Review status: criteria provided, single submitter. Criteria: Invitae Variant Classification Sherloc (09022015). Collection method: clinical testing. Allele origin: germline.
Comment: In summary, the available evidence is currently insufficient to determine the role of this variant in disease. Therefore, it has been classified as a Variant of Uncertain Significance. Algorithms developed to predict the effect of sequence changes on RNA splicing suggest that this variant may create or strengthen a splice site, but this prediction has not been confirmed by published transcriptional studies. Algorithms developed to predict the effect of missense changes on protein structure and function output the following: SIFT: "Deleterious"; PolyPhen-2: "Possibly Damaging"; Align-GVGD: "Class C0". The valine amino acid residue is found in multiple mammalian species, suggesting that this missense change does not adversely affect protein function. These predictions have not been confirmed by published functional studies and their clinical significance is uncertain. This variant has not been reported in the literature in individuals with PROC-related conditions. This variant is not present in population databases (ExAC no frequency). This sequence change replaces alanine with valine at codon 69 of the PROC protein (p.Ala69Val). The alanine residue is highly conserved and there is a small physicochemical difference between alanine and valine.